The following is an entry in ClinVar:

NM_001193315.2(VIPAS39):c.1357A>T (p.Thr453Ser)

Gene: VIPAS39 (VPS33B interacting protein, apical-basolateral polarity regulator, spe-39 homolog; minus strand). Cytogenetic location: 14q24.3.
Variant type: single nucleotide variant.
Coding change: c.1357A>T on transcript NM_001193315.2 (MANE Select); coding-DNA position 1357, A replaced by T.
Protein change: p.Thr453Ser; replaces threonine 453 with serine.
Molecular consequence: missense variant. On other transcripts: non-coding transcript variant (1), intron variant (1).
Genome position (GRCh38, 1-based): chr14:77,428,474, T>A on the plus strand (A>T on the coding strand, the complement: VIPAS39 is on the minus strand). VCF-style: chr14-77428474-T-A. GRCh37 (hg19) VCF-style: chr14-77894817-T-A.
Other names: c.1357A>T, p.Thr453Ser (NM_001193314.2, NM_001193317.2, NM_001400326.1 and 1 more transcripts); c.1210A>T, p.Thr404Ser (NM_001193316.2, NM_001400324.1, NM_001400325.1); c.1324A>T, p.Thr442Ser (NM_001400327.1); c.1270A>T, p.Thr424Ser (NM_001400330.1, NM_001400331.1, NM_001400332.1); c.1264A>T, p.Thr422Ser (NM_001400333.1, NM_001400334.1); c.1222A>T, p.Thr408Ser (NM_001400336.1); c.1117A>T, p.Thr373Ser (NM_001400337.1); c.1078A>T, p.Thr360Ser (NM_001400338.1); and 2 more; short protein forms T442S, T453S, T358S, T404S, T360S, T373S, T424S, T408S.
Identifiers: ClinVar variation 2002449 (VCV002002449.4), dbSNP rs2503110075, ClinGen allele CA390696224.

ClinVar aggregate classification (germline): Uncertain significance (1 of 4 stars; one submission).

Allele frequency attached by ClinVar (database versions not stated): gnomAD exomes below 0.00001.
gnomAD v4.1: 1 of 1,613,758 alleles (0.000062%); highest among the groups gnomAD compares: Non-Finnish European, 0.000085%; no homozygotes.

Submission:

Labcorp Genetics (formerly Invitae), Labcorp
Classification: Uncertain significance. Last evaluated: 2025-05-19. Review status: criteria provided, single submitter. Criteria: Invitae Variant Classification Sherloc (09022015). Collection method: clinical testing. Allele origin: germline.
Comment: This sequence change replaces threonine, which is neutral and polar, with serine, which is neutral and polar, at codon 453 of the VIPAS39 protein (p.Thr453Ser). This variant is not present in population databases (gnomAD no frequency). This variant has not been reported in the literature in individuals affected with VIPAS39-related conditions. ClinVar contains an entry for this variant (Variation ID: 2002449). An algorithm developed to predict the effect of missense changes on protein structure and function (PolyPhen-2) suggests that this variant is likely to be disruptive. In summary, the available evidence is currently insufficient to determine the role of this variant in disease. Therefore, it has been classified as a Variant of Uncertain Significance.